The following is an entry in ClinVar:

ClinVar aggregate classification (germline): Uncertain significance (1 of 4 stars; one submission).

Submission:

GeneDx
Classification: Uncertain significance. Last evaluated: 2024-01-22. Review status: criteria provided, single submitter. Criteria: GeneDx Variant Classification Process June 2021. Collection method: clinical testing. Allele origin: germline. Affected: yes.
Comment: Not observed at significant frequency in large population cohorts (gnomAD); In silico analysis supports that this missense variant has a deleterious effect on protein structure/function; Has not been previously published as pathogenic or benign to our knowledge; This variant is associated with the following publications: (PMID: 19926015)

NM_001035.3(RYR2):c.6576G>C (p.Met2192Ile)

Gene: RYR2 (ryanodine receptor 2; plus strand). Cytogenetic location: 1q43.
Variant type: single nucleotide variant.
Coding change: c.6576G>C on transcript NM_001035.3 (MANE Select); coding-DNA position 6576, G replaced by C.
Protein change: p.Met2192Ile; replaces methionine 2192 with isoleucine.
Molecular consequence: missense variant.
Genome position (GRCh38, 1-based): chr1:237,633,598, G>C. VCF-style: chr1-237633598-G-C. GRCh37 (hg19) VCF-style: chr1-237796898-G-C.
Other names: short protein forms M2192I.
Identifiers: ClinVar variation 3368164 (VCV003368164.1).